The following is an entry in ClinVar:

ClinVar aggregate classification (germline): Pathogenic (1 of 4 stars; one submission).

Conditions:
Kabuki syndrome. Also called: NIIKAWA-KUROKI SYNDROME; Kabuki make-up syndrome. Identifiers: Orphanet 2322, MedGen C0796004, MONDO:0016512.

Submission:

Labcorp Genetics (formerly Invitae), Labcorp
Classification: Pathogenic for Kabuki syndrome. Last evaluated: 2020-10-14. Review status: criteria provided, single submitter. Criteria: Invitae Variant Classification Sherloc (09022015). Collection method: clinical testing. Allele origin: germline.
Comment: This sequence change creates a premature translational stop signal (p.Leu3564Glufs*28) in the KMT2D gene. It is expected to result in an absent or disrupted protein product. This variant is not present in population databases (ExAC no frequency). This variant has not been reported in the literature in individuals with KMT2D-related conditions. Loss-of-function variants in KMT2D are known to be pathogenic (PMID: 22126750). For these reasons, this variant has been classified as Pathogenic.

Literature cited by the submitters: PubMed 22126750.

NM_003482.4(KMT2D):c.10685_10688dup (p.Leu3564fs)

Gene: KMT2D (lysine methyltransferase 2D; minus strand). Cytogenetic location: 12q13.12.
Variant type: Duplication.
Coding change: c.10685_10688dup on transcript NM_003482.4 (MANE Select); coding-DNA positions 10685 to 10688, 4 bases duplicated (AGAA; older notation c.10685_10688dupAGAA).
Protein change: p.Leu3564fs; shifts the reading frame from leucine 3564.
Molecular consequence: frameshift variant.
Genome position (GRCh38, 1-based): chr12:49,034,119-49,034,122, TTCT duplicated on the plus strand (AGAA on the coding strand, the reverse complement: KMT2D is on the minus strand). VCF-style (leftmost placement, unchanged base first): chr12-49034118-C-CTTCT. GRCh37 (hg19) VCF-style: chr12-49427901-C-CTTCT.
Other names: short protein forms L3564fs.
Identifiers: ClinVar variation 1076029 (VCV001076029.2), dbSNP rs2120452118, ClinGen allele CA2499221702.